The following is an entry in ClinVar:

NM_000535.7(PMS2):c.2587T>C (p.Ter863Arg)

Gene: PMS2 (PMS1 homolog 2, mismatch repair system component; minus strand). Cytogenetic location: 7p22.1.
Variant type: single nucleotide variant.
Coding change: c.2587T>C on transcript NM_000535.7 (MANE Select); coding-DNA position 2587, T replaced by C.
Protein change: p.Ter863Arg.
Molecular consequence: stop lost. On other transcripts: non-coding transcript variant (1).
Genome position (GRCh38, 1-based): chr7:5,973,401, A>G on the plus strand (T>C on the coding strand, the complement: PMS2 is on the minus strand). VCF-style: chr7-5973401-A-G. GRCh37 (hg19) VCF-style: chr7-6013032-A-G.
Other names: c.2182T>C, p.Ter728Arg (NM_001406898.1, NM_001406899.1, NM_001018040.1 and 12 more transcripts); c.2113T>C, p.Ter705Arg (NM_001406902.1, NM_001406901.1); c.2101T>C, p.Ter701Arg (NM_001406903.1); c.2122T>C, p.Ter708Arg (NM_001406900.1); c.2431T>C, p.Ter811Arg (NM_001322006.2); c.2269T>C, p.Ter757Arg (NM_001322007.2, NM_001322008.2, NM_001406883.1); c.2215T>C, p.Ter739Arg (NM_001322009.2, NM_001406887.1, NM_001406888.1); c.2026T>C, p.Ter676Arg (NM_001322010.2, NM_001406906.1, NM_001406907.1); and 20 more.
Identifiers: ClinVar variation 1793444 (VCV001793444.2), dbSNP rs1060503124, ClinGen allele CA366734678.

ClinVar aggregate classification (germline): Uncertain significance (1 of 4 stars; one submission).

Conditions:
Hereditary cancer-predisposing syndrome. Also called: Tumor predisposition; Hereditary Cancer Syndrome; Neoplastic Syndromes, Hereditary; Hereditary neoplastic syndrome. Identifiers: Orphanet 140162, MedGen C0027672, MeSH D009386, MONDO:0015356.

Submission:

Ambry Genetics
Classification: Uncertain significance for Hereditary cancer-predisposing syndrome. Last evaluated: 2020-12-01. Review status: criteria provided, single submitter. Criteria: Ambry Variant Classification Scheme 2023. Collection method: clinical testing. Allele origin: germline.
Comment: The c.2587T>C variant (also known as p.*863Rext*2), located in coding exon 15 of the PMS2 gene, results from a T to C substitution at nucleotide position 2587. This alteration disrupts the stop codon of the PMS2 gene and is predicted to preserve the native sequence while resulting in the elongation of the protein by two amino acids. The exact functional effect of the additional amino acids is unknown. Since supporting evidence is limited at this time, the clinical significance of this alteration remains unclear.